The following is an entry in ClinVar:

ClinVar aggregate classification (germline): Likely pathogenic (1 of 4 stars; one submission).

Conditions:
Catecholaminergic polymorphic ventricular tachycardia 1. Also called: VENTRICULAR TACHYCARDIA, CATECHOLAMINERGIC POLYMORPHIC, 1, WITH OR WITHOUT ATRIAL DYSFUNCTION AND/OR DILATED CARDIOMYOPATHY; VENTRICULAR TACHYCARDIA, STRESS-INDUCED POLYMORPHIC 1; RYR2-Related Catecholaminergic Polymorphic Ventricular Tachycardia. Identifiers: Orphanet 3286, MedGen C1631597, MONDO:0011484, OMIM 604772.

Submission:

Juno Genomics, Hangzhou Juno Genomics, Inc
Classification: Likely pathogenic for Catecholaminergic polymorphic ventricular tachycardia 1. Review status: criteria provided, single submitter. Criteria: ACMG Guidelines, 2015. Collection method: clinical testing. Allele origin: germline. Affected: yes.
Comment: Multiple lines of computational evidence support a deleterious effect on the gene or gene product (conservation, evolutionary, splicing impact, etc).;Missense variant in a gene that has a low rate of benign missense variation and where missense variants are a common mechanism of disease.;Absent from controls (or at extremely low frequency if recessive) in Genome Aggregation Database, Exome Sequencing Project, 1000 Genomes Project, or Exome Aggregation Consortium.

NM_001035.3(RYR2):c.14308A>G (p.Thr4770Ala)

Gene: RYR2 (ryanodine receptor 2; plus strand). Cytogenetic location: 1q43.
Variant type: single nucleotide variant.
Coding change: c.14308A>G on transcript NM_001035.3 (MANE Select); coding-DNA position 14308, A replaced by G.
Protein change: p.Thr4770Ala; replaces threonine 4770 with alanine.
Molecular consequence: missense variant.
Genome position (GRCh38, 1-based): chr1:237,808,910, A>G. VCF-style: chr1-237808910-A-G. GRCh37 (hg19) VCF-style: chr1-237972210-A-G.
Other names: short protein forms T4770A.
Identifiers: ClinVar variation 3383138 (VCV003383138.2).